The following is an entry in ClinVar:

ClinVar aggregate classification (germline): Uncertain significance (1 of 4 stars; one submission).

Submission:

Ambry Genetics
Classification: Uncertain significance. Last evaluated: 2025-07-25. Review status: criteria provided, single submitter. Criteria: Ambry Variant Classification Scheme 2023. Collection method: clinical testing. Allele origin: germline.
Comment: The c.441+1G>C intronic variant results from a G to C substitution one nucleotide after coding exon 2 of the ANO1 gene. The Genome Aggregation Database (gnomAD) data for this variant is unreliable due to technical and/or biological issues, therefore population frequency estimates were not considered. This nucleotide position is highly conserved in available vertebrate species. In silico splice site analysis predicts that this alteration will weaken the native splice donor site. Based on insufficient or conflicting evidence, the clinical significance of this alteration remains unclear.

NM_018043.7(ANO1):c.441+1G>C

Gene: ANO1 (anoctamin 1; plus strand). Cytogenetic location: 11q13.3.
Variant type: single nucleotide variant.
Coding change: c.441+1G>C on transcript NM_018043.7 (MANE Select); the canonical splice donor site of the intron after coding-DNA position 441, G replaced by C.
Molecular consequence: splice donor variant.
Genome position (GRCh38, 1-based): chr11:70,088,085, G>C. VCF-style: chr11-70088085-G-C. GRCh37 (hg19) VCF-style: chr11-69934191-G-C.
Other names: c.564+1G>C (NM_001378092.1); c.441+1G>C (NM_001378093.1, NM_001378095.2, NM_001378094.2 and 2 more transcripts).
Identifiers: ClinVar variation 4110665 (VCV004110665.1).